The following is an entry in ClinVar:

NM_000690.4(ALDH2):c.731C>T (p.Thr244Met)

Gene: ALDH2 (aldehyde dehydrogenase 2 family member; plus strand). Cytogenetic location: 12q24.12.
Variant type: single nucleotide variant.
Coding change: c.731C>T on transcript NM_000690.4 (MANE Select); coding-DNA position 731, C replaced by T.
Protein change: p.Thr244Met; replaces threonine 244 with methionine.
Molecular consequence: missense variant.
Genome position (GRCh38, 1-based): chr12:111,791,355, C>T. VCF-style: chr12-111791355-C-T. GRCh37 (hg19) VCF-style: chr12-112229159-C-T.
Other names: c.590C>T, p.Thr197Met (NM_001204889.2); short protein forms T244M, T197M.
Identifiers: ClinVar variation 749442 (VCV000749442.6), dbSNP rs543030829, ClinGen allele CA6792995.

ClinVar aggregate classification (germline): Likely benign. Review status: criteria provided, multiple submitters, no conflicts (2 of 4 stars). 3 submissions from 3 submitters: Likely benign (2). 1 of the submissions does not count toward it. Last evaluated 2021-08-12.

Conditions:
Alcohol sensitivity, acute. Identifiers: MedGen C2674838, MONDO:0012454, OMIM 610251.
ALDH2-related disorder. Also called: ALDH2-related condition.

Allele frequency attached by ClinVar (database versions not stated): gnomAD below 0.00001 and 0.00016; TOPMed 0.00006; gnomAD exomes 0.00043 and 0.00082; ExAC 0.00101; 1000 Genomes Project 0.00180; 1000 Genomes Project 30x 0.00203.
gnomAD v4.1: 659 of 1,614,074 alleles (0.041%); highest among the groups gnomAD compares: South Asian, 0.66%; 4 homozygotes.

Submissions (3):

Fulgent Genetics
Classification: Likely benign for Alcohol sensitivity, acute. Last evaluated: 2021-08-12. Review status: criteria provided, single submitter. Criteria: ACMG Guidelines, 2015. Collection method: clinical testing. Allele origin: unknown.

Labcorp Genetics (formerly Invitae), Labcorp
Classification: Likely benign. Last evaluated: 2018-06-08. Review status: criteria provided, single submitter. Criteria: Invitae Variant Classification Sherloc (09022015). Collection method: clinical testing. Allele origin: germline.

PreventionGenetics, part of Exact Sciences
Classification: Benign for ALDH2-related condition. Last evaluated: 2020-10-12. Review status: no assertion criteria provided. Collection method: clinical testing. Allele origin: germline. Not counted in ClinVar's aggregate classification.
Comment: This variant is classified as benign based on ACMG/AMP sequence variant interpretation guidelines (Richards et al. 2015 PMID: 25741868, with internal and published modifications).